The following is an entry in ClinVar:

NM_000051.4(ATM):c.5609T>C (p.Phe1870Ser)

Gene: ATM (ATM serine/threonine kinase; plus strand). Cytogenetic location: 11q22.3.
Variant type: single nucleotide variant.
Coding change: c.5609T>C on transcript NM_000051.4 (MANE Select); coding-DNA position 5609, T replaced by C.
Protein change: p.Phe1870Ser; replaces phenylalanine 1870 with serine.
Molecular consequence: missense variant.
Genome position (GRCh38, 1-based): chr11:108,304,787, T>C. VCF-style: chr11-108304787-T-C. GRCh37 (hg19) VCF-style: chr11-108175514-T-C.
Other names: c.5609T>C, p.Phe1870Ser (NM_001351834.2); short protein forms F1870S.
Identifiers: ClinVar variation 4866022 (VCV004866022.1).

ClinVar aggregate classification (germline): Uncertain significance (1 of 4 stars; one submission).

Conditions:
Hereditary cancer-predisposing syndrome. Also called: Neoplastic Syndromes, Hereditary; Tumor predisposition; Hereditary Cancer Syndrome; Hereditary neoplastic syndrome. Identifiers: Orphanet 140162, MedGen C0027672, MeSH D009386, MONDO:0015356.

Submission:

Ambry Genetics
Classification: Uncertain significance for Hereditary cancer-predisposing syndrome. Last evaluated: 2026-03-30. Review status: criteria provided, single submitter. Criteria: Ambry Variant Classification Scheme 2023. Collection method: clinical testing. Allele origin: germline.
Comment: The p.F1870S variant (also known as c.5609T>C), located in coding exon 36 of the ATM gene, results from a T to C substitution at nucleotide position 5609. The phenylalanine at codon 1870 is replaced by serine, an amino acid with highly dissimilar properties. This amino acid position is highly conserved in available vertebrate species. In addition, this alteration is predicted to be deleterious by in silico analysis. Based on the available evidence, the clinical significance of this variant remains unclear.